The following is an entry in ClinVar:

NM_014956.5(CEP164):c.233C>G (p.Ala78Gly)

Gene: CEP164 (centrosomal protein 164; plus strand). Cytogenetic location: 11q23.3.
Variant type: single nucleotide variant.
Coding change: c.233C>G on transcript NM_014956.5 (MANE Select); coding-DNA position 233, C replaced by G.
Protein change: p.Ala78Gly; replaces alanine 78 with glycine.
Molecular consequence: missense variant.
Genome position (GRCh38, 1-based): chr11:117,351,828, C>G. VCF-style: chr11-117351828-C-G. GRCh37 (hg19) VCF-style: chr11-117222544-C-G.
Other names: c.233C>G (NM_014956.4); c.233C>G, p.Ala78Gly (NM_001271933.2); short protein forms A78G.
Identifiers: ClinVar variation 1476492 (VCV001476492.9), dbSNP rs2039670463, ClinGen allele CA382725592.

ClinVar aggregate classification (germline): Uncertain significance. Review status: criteria provided, multiple submitters, no conflicts (2 of 4 stars). 3 submissions from 3 submitters: Uncertain significance (3). Last evaluated 2024-04-02.

Conditions:
Nephronophthisis 15 (NPHP15). Identifiers: Orphanet 3156, MedGen C3541853, MONDO:0013917, OMIM 614845.
Inborn genetic diseases. Identifiers: MedGen C0950123, MeSH D030342.

Allele frequency attached by ClinVar (database versions not stated): gnomAD exomes below 0.00001.
gnomAD v4.1: 3 of 1,613,934 alleles (0.00019%); highest among the groups gnomAD compares: Middle Eastern, 0.016%; no homozygotes.

Submissions (3):

Fulgent Genetics
Classification: Uncertain significance for Nephronophthisis 15. Last evaluated: 2024-04-02. Review status: criteria provided, single submitter. Criteria: ACMG Guidelines, 2015. Collection method: clinical testing. Allele origin: germline.

Ambry Genetics
Classification: Uncertain significance for Inborn genetic diseases. Last evaluated: 2022-06-29. Review status: criteria provided, single submitter. Criteria: Ambry Variant Classification Scheme 2023. Collection method: clinical testing. Allele origin: germline.

Labcorp Genetics (formerly Invitae), Labcorp
Classification: Uncertain significance for Nephronophthisis 15. Last evaluated: 2020-12-21. Review status: criteria provided, single submitter. Criteria: Invitae Variant Classification Sherloc (09022015). Collection method: clinical testing. Allele origin: germline.
Comment: This sequence change replaces alanine with glycine at codon 78 of the CEP164 protein (p.Ala78Gly). The alanine residue is highly conserved and there is a small physicochemical difference between alanine and glycine. This variant is not present in population databases (ExAC no frequency). This variant has not been reported in the literature in individuals with CEP164-related conditions. Algorithms developed to predict the effect of missense changes on protein structure and function (SIFT, PolyPhen-2, Align-GVGD) all suggest that this variant is likely to be tolerated, but these predictions have not been confirmed by published functional studies and their clinical significance is uncertain. In summary, the available evidence is currently insufficient to determine the role of this variant in disease. Therefore, it has been classified as a Variant of Uncertain Significance.